The following is an entry in ClinVar:

ClinVar aggregate classification (germline): Uncertain significance (1 of 4 stars; one submission).

Conditions:
Autosomal dominant nocturnal frontal lobe epilepsy 5. Also called: KCNT1-Related Epilepsy; CILIARY DYSKINESIA, PRIMARY, 28, WITHOUT SITUS INVERSUS; CILIARY DYSKINESIA, PRIMARY, 28, WITH SITUS INVERSUS; Epilepsy, nocturnal frontal lobe, 5. Identifiers: Orphanet 98784, MedGen C3554306, MONDO:0014002, OMIM 615005.
Developmental and epileptic encephalopathy, 14 (DEE14). Also called: Early infantile epileptic encephalopathy 14. Identifiers: Orphanet 293181, MedGen C3554195, MONDO:0013989, OMIM 614959.

Submission:

Labcorp Genetics (formerly Invitae), Labcorp
Classification: Uncertain significance for Autosomal dominant nocturnal frontal lobe epilepsy 5; Developmental and epileptic encephalopathy, 14. Last evaluated: 2019-03-29. Review status: criteria provided, single submitter. Criteria: Invitae Variant Classification Sherloc (09022015). Collection method: clinical testing. Allele origin: germline.
Comment: Algorithms developed to predict the effect of missense changes on protein structure and function are either unavailable or do not agree on the potential impact of this missense change (SIFT: "Deleterious"; PolyPhen-2: "Probably Damaging"; Align-GVGD: "Class C0"). This sequence change replaces lysine with asparagine at codon 985 of the KCNT1 protein (p.Lys985Asn). The lysine residue is highly conserved and there is a moderate physicochemical difference between lysine and asparagine. This variant is not present in population databases (ExAC no frequency). This variant has not been reported in the literature in individuals with KCNT1-related conditions. In summary, the available evidence is currently insufficient to determine the role of this variant in disease. Therefore, it has been classified as a Variant of Uncertain Significance.

NM_020822.3(KCNT1):c.2955G>C (p.Lys985Asn)

Gene: KCNT1 (potassium sodium-activated channel subfamily T member 1; plus strand). Cytogenetic location: 9q34.3.
Variant type: single nucleotide variant.
Coding change: c.2955G>C on transcript NM_020822.3 (MANE Select); coding-DNA position 2955, G replaced by C.
Protein change: p.Lys985Asn; replaces lysine 985 with asparagine.
Molecular consequence: missense variant.
Genome position (GRCh38, 1-based): chr9:135,784,546, G>C. VCF-style: chr9-135784546-G-C. GRCh37 (hg19) VCF-style: chr9-138676392-G-C.
Other names: c.2820G>C, p.Lys940Asn (NM_001272003.2); short protein forms K940N, K985N.
Identifiers: ClinVar variation 949752 (VCV000949752.10), dbSNP rs1833883179, ClinGen allele CA375517824.
Genomic context (GRCh38, chr9:135,784,546, plus strand): 5'-CCTCCCTCCCTCCCTCCCTCCCTCCCTCCCTCCCTCCCTCCCTGGCCAGTCCTTCGTGAA[G>C]GACTACATGATCACCATCACCCGGCTGCTGCTGGGCCTGGACACCACGCCGGGCTCGGGG-3'
Protein context (NP_065873.2, residues 975-995): LDTLLYQSFV[Lys985Asn]DYMITITRLL